The following is an entry in ClinVar:

ClinVar aggregate classification (germline): Uncertain significance (1 of 4 stars; one submission).

gnomAD v4.1: 20 of 1,413,198 alleles (0.0014%); highest among the groups gnomAD compares: Admixed American, 0.0034%; no homozygotes.

Submission:

Ambry Genetics
Classification: Uncertain significance. Last evaluated: 2025-06-11. Review status: criteria provided, single submitter. Criteria: Ambry Variant Classification Scheme 2023. Collection method: clinical testing. Allele origin: germline.
Comment: The c.-5C>T variant is located in the 5' untranslated region (5&rsquo; UTR) of the EGLN1 gene. This variant results from a C to T substitution 5 bases upstream from the first translated codon. This nucleotide position is highly conserved in available vertebrate species. The evidence for this gene-disease relationship is limited; therefore, the clinical significance of this alteration is unclear.

NM_022051.3(EGLN1):c.-5C>T

Gene: EGLN1 (egl-9 family hypoxia inducible factor 1; minus strand). Cytogenetic location: 1q42.2.
Variant type: single nucleotide variant.
Coding change: c.-5C>T on transcript NM_022051.3 (MANE Select); 5 bases upstream of the start codon, C replaced by T.
Molecular consequence: 5 prime UTR variant.
Genome position (GRCh38, 1-based): chr1:231,421,893, G>A on the plus strand (C>T on the coding strand, the complement: EGLN1 is on the minus strand). VCF-style: chr1-231421893-G-A. GRCh37 (hg19) VCF-style: chr1-231557639-G-A.
Other names: c.-5C>T (NM_001377260.1, NM_001377261.1).
Identifiers: ClinVar variation 4016822 (VCV004016822.1).